The following is an entry in ClinVar:

ClinVar aggregate classification (germline): Benign/Likely benign. Review status: criteria provided, multiple submitters, no conflicts (2 of 4 stars). 7 submissions from 7 submitters: Benign (2); Likely benign (4). 1 of the submissions does not count toward it. Last evaluated 2026-07-01.

Conditions:
HOMER2-related disorder. Also called: HOMER2-related condition.

Allele frequency attached by ClinVar (database versions not stated): 1000 Genomes Project 0.00120; TOPMed 0.00138; ESP Exome Variant Server 0.00151; 1000 Genomes Project 30x 0.00156; gnomAD 0.00181 and 0.00184; ExAC 0.00227; gnomAD exomes 0.00246.
gnomAD v4.1: 3,799 of 1,610,374 alleles (0.24%); highest among the groups gnomAD compares: South Asian, 0.32%; 4 homozygotes.

Submissions (7):

CeGaT Center for Human Genetics Tuebingen
Classification: Likely benign. Last evaluated: 2026-07-01. Review status: criteria provided, single submitter. Criteria: CeGaT Center For Human Genetics Tuebingen Variant Classification Criteria Version 2. Collection method: clinical testing. Allele origin: germline. Affected: yes. Observed: 4 variant alleles.
Comment: HOMER2: BP4, BP7

Labcorp Genetics (formerly Invitae), Labcorp
Classification: Benign. Last evaluated: 2025-11-17. Review status: criteria provided, single submitter. Criteria: Invitae Variant Classification Sherloc (09022015). Collection method: clinical testing. Allele origin: germline.

Blueprint Genetics
Classification: Likely benign. Last evaluated: 2024-11-11. Review status: criteria provided, single submitter. Criteria: ACMG Guidelines, 2015. Collection method: clinical testing. Allele origin: germline.

GeneDx
Classification: Benign. Last evaluated: 2019-07-22. Review status: criteria provided, single submitter. Criteria: GeneDx Variant Classification Process June 2021. Collection method: clinical testing. Allele origin: germline. Affected: yes.

Eurofins Ntd Llc (ga)
Classification: Likely benign. Last evaluated: 2017-05-04. Review status: criteria provided, single submitter. Criteria: EGL Classification Definitions 2015. Collection method: clinical testing. Allele origin: germline. Observed: 1 variant allele, 1 heterozygote.

Breakthrough Genomics
Classification: Likely benign. Review status: criteria provided, single submitter. Criteria: ACMG Guidelines, 2015. Collection method: not provided. Allele origin: germline. Inheritance: Autosomal dominant inheritance. Affected: yes.

PreventionGenetics, part of Exact Sciences
Classification: Benign for HOMER2-related condition. Last evaluated: 2019-08-01. Review status: no assertion criteria provided. Collection method: clinical testing. Allele origin: germline. Not counted in ClinVar's aggregate classification.
Comment: This variant is classified as benign based on ACMG/AMP sequence variant interpretation guidelines (Richards et al. 2015 PMID: 25741868, with internal and published modifications).

NM_004839.4(HOMER2):c.363C>T (p.Ile121=)

Gene: HOMER2 (homer scaffold protein 2; minus strand). Cytogenetic location: 15q25.2.
Variant type: single nucleotide variant.
Coding change: c.363C>T on transcript NM_004839.4 (MANE Select); coding-DNA position 363, C replaced by T.
Protein change: p.Ile121=; no amino-acid change (isoleucine 121 retained).
Molecular consequence: synonymous variant.
Genome position (GRCh38, 1-based): chr15:82,864,191, G>A on the plus strand (C>T on the coding strand, the complement: HOMER2 is on the minus strand). VCF-style: chr15-82864191-G-A. GRCh37 (hg19) VCF-style: chr15-83532943-G-A.
Other names: c.363C>T, p.Ile121= (NM_199330.3); c.363C>T (NM_004839.3).
Identifiers: ClinVar variation 501014 (VCV000501014.39), dbSNP rs11629943, ClinGen allele CA7702205.